The following is an entry in ClinVar:

ClinVar aggregate classification (germline): Uncertain significance. Review status: criteria provided, multiple submitters, no conflicts (2 of 4 stars). 2 submissions from 2 submitters: Uncertain significance (2). Last evaluated 2025-08-31.

Conditions:
Aortic aneurysm, familial thoracic 4 (AAT4). Also called: AORTIC ANEURYSM/AORTIC DISSECTION AND PATENT DUCTUS ARTERIOSUS. Identifiers: MedGen C1851504, MONDO:0007568, OMIM 132900.
Familial thoracic aortic aneurysm and aortic dissection (TAAD). Also called: Thoracic aortic aneurysms and dissections. Identifiers: Orphanet 91387, MedGen C4707243, MONDO:0019625.

gnomAD v4.1: 3 of 1,612,890 alleles (0.00019%); highest among the groups gnomAD compares: Non-Finnish European, 0.00025%; no homozygotes.

Submissions (2):

Labcorp Genetics (formerly Invitae), Labcorp
Classification: Uncertain significance for Aortic aneurysm, familial thoracic 4. Last evaluated: 2025-08-31. Review status: criteria provided, single submitter. Criteria: Invitae Variant Classification Sherloc (09022015). Collection method: clinical testing. Allele origin: germline.
Comment: This sequence change replaces glutamine, which is neutral and polar, with leucine, which is neutral and non-polar, at codon 1272 of the MYH11 protein (p.Gln1272Leu). This variant is present in population databases (rs766609666, gnomAD 0.0009%). This variant has not been reported in the literature in individuals affected with MYH11-related conditions. ClinVar contains an entry for this variant (Variation ID: 3714062). Invitae Evidence Modeling of protein sequence and biophysical properties (such as structural, functional, and spatial information, amino acid conservation, physicochemical variation, residue mobility, and thermodynamic stability) indicates that this missense variant is not expected to disrupt MYH11 protein function with a negative predictive value of 95%. In summary, the available evidence is currently insufficient to determine the role of this variant in disease. Therefore, it has been classified as a Variant of Uncertain Significance.

Color Diagnostics, LLC DBA Color Health
Classification: Uncertain significance for Familial thoracic aortic aneurysm and aortic dissection. Last evaluated: 2025-06-09. Review status: criteria provided, single submitter. Criteria: ACMG Guidelines, 2015. Collection method: clinical testing. Allele origin: germline.
Comment: This missense variant replaces glutamine with leucine at codon 1272 of the MYH11 protein. Computational prediction is inconclusive regarding the impact of this variant on protein structure and function. To our knowledge, functional studies have not been reported for this variant. This variant has not been reported in individuals affected with MYH11-related disorders in the literature. This variant has been identified in 1/250724 chromosomes in the general population by the Genome Aggregation Database (gnomAD). The available evidence is insufficient to determine the role of this variant in disease conclusively. Therefore, this variant is classified as a Variant of Uncertain Significance.

NM_002474.3(MYH11):c.3794A>T (p.Gln1265Leu)

Gene: MYH11 (myosin heavy chain 11; minus strand). Cytogenetic location: 16p13.11.
Variant type: single nucleotide variant.
Coding change: c.3794A>T on transcript NM_002474.3 (MANE Select); coding-DNA position 3794, A replaced by T.
Protein change: p.Gln1265Leu; replaces glutamine 1265 with leucine.
Molecular consequence: missense variant.
Genome position (GRCh38, 1-based): chr16:15,726,912, T>A on the plus strand (A>T on the coding strand, the complement: MYH11 is on the minus strand). VCF-style: chr16-15726912-T-A. GRCh37 (hg19) VCF-style: chr16-15820769-T-A.
Other names: c.3815A>T, p.Gln1272Leu (NM_001040113.2, NM_001040114.2); c.3794A>T, p.Gln1265Leu (NM_022844.3); short protein forms Q1265L, Q1272L.
Identifiers: ClinVar variation 3714062 (VCV003714062.3).